The following is an entry in ClinVar:

NM_020937.4(FANCM):c.742C>T (p.Pro248Ser)

Gene: FANCM (FA complementation group M; plus strand). Cytogenetic location: 14q21.2.
Variant type: single nucleotide variant.
Coding change: c.742C>T on transcript NM_020937.4 (MANE Select); coding-DNA position 742, C replaced by T.
Protein change: p.Pro248Ser; replaces proline 248 with serine.
Molecular consequence: missense variant. On other transcripts: intron variant (1).
Genome position (GRCh38, 1-based): chr14:45,140,692, C>T. VCF-style: chr14-45140692-C-T. GRCh37 (hg19) VCF-style: chr14-45609895-C-T.
Other names: c.742C>T, p.Pro248Ser (NM_001308134.2); c.681+3451C>T (NM_001308133.2); short protein forms P248S.
Identifiers: ClinVar variation 3848503 (VCV003848503.1).

ClinVar aggregate classification (germline): Uncertain significance (1 of 4 stars; one submission).

Conditions:
Inborn genetic diseases. Identifiers: MedGen C0950123, MeSH D030342.

gnomAD v4.1: 1 of 1,588,242 alleles (0.000063%); no homozygotes.

Submission:

Ambry Genetics
Classification: Uncertain significance for Inborn genetic diseases. Last evaluated: 2024-12-15. Review status: criteria provided, single submitter. Criteria: Ambry Variant Classification Scheme 2023. Collection method: clinical testing. Allele origin: germline.
Comment: The p.P248S variant (also known as c.742C>T), located in coding exon 3 of the FANCM gene, results from a C to T substitution at nucleotide position 742. The proline at codon 248 is replaced by serine, an amino acid with similar properties. This amino acid position is conserved. In addition, the in silico prediction for this alteration is inconclusive. Based on the available evidence, the clinical significance of this variant remains unclear.